The following is an entry in ClinVar:

NM_000271.5(NPC1):c.1028G>C (p.Gly343Ala)

Gene: NPC1 (NPC intracellular cholesterol transporter 1; minus strand). Cytogenetic location: 18q11.2.
Variant type: single nucleotide variant.
Coding change: c.1028G>C on transcript NM_000271.5 (MANE Select); coding-DNA position 1028, G replaced by C.
Protein change: p.Gly343Ala; replaces glycine 343 with alanine.
Molecular consequence: missense variant.
Genome position (GRCh38, 1-based): chr18:23,556,541, C>G on the plus strand (G>C on the coding strand, the complement: NPC1 is on the minus strand). VCF-style: chr18-23556541-C-G. GRCh37 (hg19) VCF-style: chr18-21136505-C-G.
Other names: short protein forms G343A.
Identifiers: ClinVar variation 1507768 (VCV001507768.6), dbSNP rs1444308532, ClinGen allele CA401778794.

ClinVar aggregate classification (germline): Likely pathogenic (1 of 4 stars; one submission).

Conditions:
Niemann-Pick disease, type C1. Also called: NIEMANN-PICK DISEASE, VARIANT TYPE C1; NEUROVISCERAL STORAGE DISEASE WITH VERTICAL SUPRANUCLEAR OPHTHALMOPLEGIA; NIEMANN-PICK DISEASE WITH CHOLESTEROL ESTERIFICATION BLOCK; NIEMANN-PICK DISEASE WITHOUT SPHINGOMYELINASE DEFICIENCY; NIEMANN-PICK DISEASE, CHRONIC NEURONOPATHIC FORM. Identifiers: Orphanet 646, MedGen C3179455, MONDO:0009757, OMIM 257220.

Allele frequency attached by ClinVar (database versions not stated): gnomAD 0.00001.
gnomAD v4.1: 2 of 1,613,978 alleles (0.00012%); highest among the groups gnomAD compares: African/African-American, 0.0013%; no homozygotes.

Submission:

Labcorp Genetics (formerly Invitae), Labcorp
Classification: Likely pathogenic for Niemann-Pick disease, type C1. Last evaluated: 2026-01-11. Review status: criteria provided, single submitter. Criteria: Invitae Variant Classification Sherloc (09022015). Collection method: clinical testing. Allele origin: germline.
Comment: This sequence change replaces glycine, which is neutral and non-polar, with alanine, which is neutral and non-polar, at codon 343 of the NPC1 protein (p.Gly343Ala). This variant is not present in population databases (gnomAD no frequency). This variant has not been reported in the literature in individuals affected with NPC1-related conditions. ClinVar contains an entry for this variant (Variation ID: 1507768). Invitae Evidence Modeling of protein sequence and biophysical properties (such as structural, functional, and spatial information, amino acid conservation, physicochemical variation, residue mobility, and thermodynamic stability) indicates that this missense variant is expected to disrupt NPC1 protein function with a positive predictive value of 95%. This variant disrupts the p.Gly343 amino acid residue in NPC1. Other variant(s) that disrupt this residue have been determined to be pathogenic (PMID: 25236789, 26981555). This suggests that this residue is clinically significant, and that variants that disrupt this residue are likely to be disease-causing. In summary, the currently available evidence indicates that the variant is pathogenic, but additional data are needed to prove that conclusively. Therefore, this variant has been classified as Likely Pathogenic.

Literature cited by the submitters: PubMed 25236789; PubMed 26981555.